The following is an entry in ClinVar:

NM_182914.3(SYNE2):c.14270A>G (p.Lys4757Arg)

Gene: SYNE2 (spectrin repeat containing nuclear envelope protein 2; plus strand). Cytogenetic location: 14q23.2.
Variant type: single nucleotide variant.
Coding change: c.14270A>G on transcript NM_182914.3 (MANE Select); coding-DNA position 14270, A replaced by G.
Protein change: p.Lys4757Arg; replaces lysine 4757 with arginine.
Molecular consequence: missense variant.
Genome position (GRCh38, 1-based): chr14:64,130,178, A>G. VCF-style: chr14-64130178-A-G. GRCh37 (hg19) VCF-style: chr14-64596896-A-G.
Other names: c.14270A>G, p.Lys4757Arg (NM_015180.6); short protein forms K4757R.
Identifiers: ClinVar variation 3678299 (VCV003678299.2).

ClinVar aggregate classification (germline): Uncertain significance (1 of 4 stars; one submission).

Conditions:
Emery-Dreifuss muscular dystrophy 5, autosomal dominant (EDMD5). Also called: EMERY-DREIFUSS MUSCULAR DYSTROPHY 5. Identifiers: Orphanet 261, MedGen C2751805, MONDO:0013072, OMIM 612999.

Submission:

Labcorp Genetics (formerly Invitae), Labcorp
Classification: Uncertain significance for Emery-Dreifuss muscular dystrophy 5, autosomal dominant. Last evaluated: 2024-07-23. Review status: criteria provided, single submitter. Criteria: Invitae Variant Classification Sherloc (09022015). Collection method: clinical testing. Allele origin: germline.
Comment: This sequence change replaces lysine, which is basic and polar, with arginine, which is basic and polar, at codon 4757 of the SYNE2 protein (p.Lys4757Arg). This variant is not present in population databases (gnomAD no frequency). This variant has not been reported in the literature in individuals affected with SYNE2-related conditions. An algorithm developed to predict the effect of missense changes on protein structure and function (PolyPhen-2) suggests that this variant is likely to be disruptive. In summary, the available evidence is currently insufficient to determine the role of this variant in disease. Therefore, it has been classified as a Variant of Uncertain Significance.